The following is an entry in ClinVar:

ClinVar aggregate classification (germline): Pathogenic/Likely pathogenic. Review status: criteria provided, multiple submitters, no conflicts (2 of 4 stars). 2 submissions from 2 submitters: Pathogenic (1); Likely pathogenic (1). Last evaluated 2024-06-12.

Conditions:
Alagille syndrome due to a JAG1 point mutation. Also called: JAG1-Related Alagille Syndrome; HEPATIC DUCTULAR HYPOPLASIA, SYNDROMATIC; Alagille Syndrome 1. Identifiers: Orphanet 261619, Orphanet 52, MedGen C1956125, MONDO:0016862, OMIM 118450.
JAG1-related disorder. Also called: JAG1-related disorders; JAG1-related condition.

Submissions (2):

Labcorp Genetics (formerly Invitae), Labcorp
Classification: Pathogenic for Alagille syndrome due to a JAG1 point mutation. Last evaluated: 2024-06-12. Review status: criteria provided, single submitter. Criteria: Invitae Variant Classification Sherloc (09022015). Collection method: clinical testing. Allele origin: germline.
Comment: This sequence change creates a premature translational stop signal (p.Cys534*) in the JAG1 gene. It is expected to result in an absent or disrupted protein product. Loss-of-function variants in JAG1 are known to be pathogenic (PMID: 11180599). This variant is not present in population databases (gnomAD no frequency). This variant has not been reported in the literature in individuals affected with JAG1-related conditions. For these reasons, this variant has been classified as Pathogenic.

Blueprint Genetics
Classification: Likely pathogenic for JAG1-related disorders. Last evaluated: 2024-02-15. Review status: criteria provided, single submitter. Criteria: ACMG Guidelines, 2015. Collection method: clinical testing. Allele origin: germline. Affected: yes. Observed: 1 variant allele.

Literature cited by the submitters: PubMed 11180599 (cited by Labcorp Genetics (formerly Invitae), Labcorp).

NM_000214.3(JAG1):c.1602C>A (p.Cys534Ter)

Gene: JAG1 (jagged canonical Notch ligand 1; minus strand). Cytogenetic location: 20p12.2.
Variant type: single nucleotide variant.
Coding change: c.1602C>A on transcript NM_000214.3 (MANE Select); coding-DNA position 1602, C replaced by A.
Protein change: p.Cys534Ter; replaces cysteine 534 with a stop codon.
Molecular consequence: nonsense.
Genome position (GRCh38, 1-based): chr20:10,648,078, G>T on the plus strand (C>A on the coding strand, the complement: JAG1 is on the minus strand). VCF-style: chr20-10648078-G-T. GRCh37 (hg19) VCF-style: chr20-10628726-G-T.
Other names: short protein forms C534*.
Identifiers: ClinVar variation 3656506 (VCV003656506.3).